The following is an entry in ClinVar:

ClinVar aggregate classification (germline): Uncertain significance. Review status: criteria provided, multiple submitters, no conflicts (2 of 4 stars). 2 submissions from 2 submitters: Uncertain significance (2). Last evaluated 2025-03-04.

Conditions:
Hereditary cancer-predisposing syndrome. Also called: Hereditary Cancer Syndrome; Hereditary neoplastic syndrome; Neoplastic Syndromes, Hereditary; Tumor predisposition. Identifiers: Orphanet 140162, MedGen C0027672, MeSH D009386, MONDO:0015356.

Allele frequency attached by ClinVar (database versions not stated): ExAC below 0.00001; gnomAD exomes 0.00001.
gnomAD v4.1: 5 of 1,609,554 alleles (0.00031%); highest among the groups gnomAD compares: Non-Finnish European, 0.00042%; no homozygotes.

Submissions (2):

Labcorp Genetics (formerly Invitae), Labcorp
Classification: Uncertain significance. Last evaluated: 2025-03-04. Review status: criteria provided, single submitter. Criteria: Invitae Variant Classification Sherloc (09022015). Collection method: clinical testing. Allele origin: germline.
Comment: This sequence change replaces tyrosine, which is neutral and polar, with cysteine, which is neutral and slightly polar, at codon 563 of the CTNNA1 protein (p.Tyr563Cys). This variant is not present in population databases (gnomAD no frequency). This variant has not been reported in the literature in individuals affected with CTNNA1-related conditions. ClinVar contains an entry for this variant (Variation ID: 409001). Invitae Evidence Modeling of protein sequence and biophysical properties (such as structural, functional, and spatial information, amino acid conservation, physicochemical variation, residue mobility, and thermodynamic stability) indicates that this missense variant is not expected to disrupt CTNNA1 protein function with a negative predictive value of 80%. In summary, the available evidence is currently insufficient to determine the role of this variant in disease. Therefore, it has been classified as a Variant of Uncertain Significance.

Ambry Genetics
Classification: Uncertain significance for Hereditary cancer-predisposing syndrome. Last evaluated: 2024-02-05. Review status: criteria provided, single submitter. Criteria: Ambry Variant Classification Scheme 2023. Collection method: clinical testing. Allele origin: germline.
Comment: The p.Y563C variant (also known as c.1688A>G), located in coding exon 11 of the CTNNA1 gene, results from an A to G substitution at nucleotide position 1688. The tyrosine at codon 563 is replaced by cysteine, an amino acid with highly dissimilar properties. This amino acid position is highly conserved in available vertebrate species. In addition, the in silico prediction for this alteration is inconclusive. The evidence for this gene-disease relationship is limited; therefore, the clinical significance of this alteration is unclear.

NM_001903.5(CTNNA1):c.1688A>G (p.Tyr563Cys)

Gene: CTNNA1 (catenin alpha 1; plus strand). Cytogenetic location: 5q31.2.
Variant type: single nucleotide variant.
Coding change: c.1688A>G on transcript NM_001903.5 (MANE Select); coding-DNA position 1688, A replaced by G.
Protein change: p.Tyr563Cys; replaces tyrosine 563 with cysteine.
Molecular consequence: missense variant.
Genome position (GRCh38, 1-based): chr5:138,924,651, A>G. VCF-style: chr5-138924651-A-G. GRCh37 (hg19) VCF-style: chr5-138260340-A-G.
Other names: c.1688A>G, p.Tyr563Cys (NM_001290307.3, NM_001323982.2, NM_001323983.1 and 2 more transcripts); c.1379A>G, p.Tyr460Cys (NM_001290309.3); c.1319A>G, p.Tyr440Cys (NM_001290310.3); c.578A>G, p.Tyr193Cys (NM_001290312.1, NM_001323987.1, NM_001323988.1 and 17 more transcripts); c.1595A>G, p.Tyr532Cys (NM_001323986.2); c.239A>G, p.Tyr80Cys (NM_001324006.1, NM_001324007.1, NM_001324008.1 and 2 more transcripts); c.485A>G, p.Tyr162Cys (NM_001324011.1); c.335A>G, p.Tyr112Cys (NM_001324012.1, NM_001324013.1); short protein forms Y563C, Y193C, Y440C, Y162C, Y112C, Y532C, Y460C, Y80C.
Identifiers: ClinVar variation 409001 (VCV000409001.11), dbSNP rs772560994, ClinGen allele CA3432008.